The following is an entry in ClinVar:

NM_032776.3(JMJD1C):c.3321A>T (p.Arg1107Ser)

Gene: JMJD1C (jumonji domain containing 1C; minus strand). Cytogenetic location: 10q21.3.
Variant type: single nucleotide variant.
Coding change: c.3321A>T on transcript NM_032776.3 (MANE Select); coding-DNA position 3321, A replaced by T.
Protein change: p.Arg1107Ser; replaces arginine 1107 with serine.
Molecular consequence: missense variant. On other transcripts: non-coding transcript variant (1).
Genome position (GRCh38, 1-based): chr10:63,208,348, T>A on the plus strand (A>T on the coding strand, the complement: JMJD1C is on the minus strand). VCF-style: chr10-63208348-T-A. GRCh37 (hg19) VCF-style: chr10-64968108-T-A.
Other names: c.2775A>T, p.Arg925Ser (NM_001282948.2, NM_001318154.2); c.2457A>T, p.Arg819Ser (NM_001318153.2); c.3207A>T, p.Arg1069Ser (NM_001322252.2); c.2664A>T, p.Arg888Ser (NM_001322254.2, NM_001322258.2); short protein forms R888S, R1069S, R925S, R1107S, R819S.
Identifiers: ClinVar variation 3644309 (VCV003644309.2).

ClinVar aggregate classification (germline): Uncertain significance (1 of 4 stars; one submission).

Conditions:
Early Myoclonic Encephalopathy. Identifiers: MedGen C0270855.

Submission:

Labcorp Genetics (formerly Invitae), Labcorp
Classification: Uncertain significance for Early Myoclonic Encephalopathy. Last evaluated: 2024-03-03. Review status: criteria provided, single submitter. Criteria: Invitae Variant Classification Sherloc (09022015). Collection method: clinical testing. Allele origin: germline.
Comment: This sequence change replaces arginine, which is basic and polar, with serine, which is neutral and polar, at codon 1107 of the JMJD1C protein (p.Arg1107Ser). This variant is not present in population databases (gnomAD no frequency). This variant has not been reported in the literature in individuals affected with JMJD1C-related conditions. Advanced modeling of protein sequence and biophysical properties (such as structural, functional, and spatial information, amino acid conservation, physicochemical variation, residue mobility, and thermodynamic stability) performed at Invitae indicates that this missense variant is not expected to disrupt JMJD1C protein function with a negative predictive value of 80%. In summary, the available evidence is currently insufficient to determine the role of this variant in disease. Therefore, it has been classified as a Variant of Uncertain Significance.